The following is an entry in ClinVar:

NM_014423.4(AFF4):c.2600C>A (p.Thr867Asn)

Gene: AFF4 (ALF transcription elongation factor 4; minus strand). Cytogenetic location: 5q31.1.
Variant type: single nucleotide variant.
Coding change: c.2600C>A on transcript NM_014423.4 (MANE Select); coding-DNA position 2600, C replaced by A.
Protein change: p.Thr867Asn; replaces threonine 867 with asparagine.
Molecular consequence: missense variant.
Genome position (GRCh38, 1-based): chr5:132,892,201, G>T on the plus strand (C>A on the coding strand, the complement: AFF4 is on the minus strand). VCF-style: chr5-132892201-G-T. GRCh37 (hg19) VCF-style: chr5-132227893-G-T.
Other names: c.2600C>A (NM_014423.3); short protein forms T867N.
Identifiers: ClinVar variation 3603586 (VCV003603586.3).

ClinVar aggregate classification (germline): Uncertain significance. Review status: criteria provided, multiple submitters, no conflicts (2 of 4 stars). 2 submissions from 2 submitters: Uncertain significance (2). Last evaluated 2025-01-31.

Conditions:
Cognitive impairment - coarse facies - heart defects - obesity - pulmonary involvement - short stature - skeletal dysplasia syndrome. Also called: AFF4-Related CHOPS Syndrome; COGNITIVE IMPAIRMENT, COARSE FACIES, HEART DEFECTS, OBESITY, PULMONARY INVOLVEMENT, SHORT STATURE, AND SKELETAL DYSPLASIA; Chops syndrome. Identifiers: Orphanet 444077, MedGen C4085597, MONDO:0014609, OMIM 616368.
Inborn genetic diseases. Identifiers: MedGen C0950123, MeSH D030342.

gnomAD v4.1: 6 of 1,614,040 alleles (0.00037%); highest among the groups gnomAD compares: East Asian, 0.0089%; no homozygotes.

Submissions (2):

Ambry Genetics
Classification: Uncertain significance for Inborn genetic diseases. Last evaluated: 2025-01-31. Review status: criteria provided, single submitter. Criteria: Ambry Variant Classification Scheme 2023. Collection method: clinical testing. Allele origin: germline.

Labcorp Genetics (formerly Invitae), Labcorp
Classification: Uncertain significance for Cognitive impairment - coarse facies - heart defects - obesity - pulmonary involvement - short stature - skeletal dysplasia syndrome. Last evaluated: 2024-08-19. Review status: criteria provided, single submitter. Criteria: Invitae Variant Classification Sherloc (09022015). Collection method: clinical testing. Allele origin: germline.
Comment: This sequence change replaces threonine, which is neutral and polar, with asparagine, which is neutral and polar, at codon 867 of the AFF4 protein (p.Thr867Asn). This variant is present in population databases (rs199608965, gnomAD 0.02%). This variant has not been reported in the literature in individuals affected with AFF4-related conditions. Invitae Evidence Modeling of protein sequence and biophysical properties (such as structural, functional, and spatial information, amino acid conservation, physicochemical variation, residue mobility, and thermodynamic stability) indicates that this missense variant is not expected to disrupt AFF4 protein function with a negative predictive value of 80%. In summary, the available evidence is currently insufficient to determine the role of this variant in disease. Therefore, it has been classified as a Variant of Uncertain Significance.